The following is an entry in ClinVar:

ClinVar aggregate classification (germline): Uncertain significance (1 of 4 stars; one submission).

Conditions:
Townes syndrome (TBS). Also called: Townes-Brocks syndrome. Identifiers: Orphanet 857, MedGen C0265246, MeSH C536974, MONDO:0007142.

Allele frequency attached by ClinVar (database versions not stated): ExAC 0.00001; gnomAD exomes 0.00001; gnomAD 0.00002; TOPMed 0.00002.
gnomAD v4.1: 19 of 1,614,090 alleles (0.0012%); highest among the groups gnomAD compares: Non-Finnish European, 0.0016%; no homozygotes.

Submission:

Labcorp Genetics (formerly Invitae), Labcorp
Classification: Uncertain significance for Townes syndrome. Last evaluated: 2023-02-06. Review status: criteria provided, single submitter. Criteria: Invitae Variant Classification Sherloc (09022015). Collection method: clinical testing. Allele origin: germline.
Comment: This variant has not been reported in the literature in individuals affected with SALL1-related conditions. This variant is present in population databases (rs773784402, gnomAD 0.004%). This sequence change replaces alanine, which is neutral and non-polar, with serine, which is neutral and polar, at codon 1125 of the SALL1 protein (p.Ala1125Ser). Algorithms developed to predict the effect of missense changes on protein structure and function (SIFT, PolyPhen-2, Align-GVGD) all suggest that this variant is likely to be tolerated. In summary, the available evidence is currently insufficient to determine the role of this variant in disease. Therefore, it has been classified as a Variant of Uncertain Significance.

NM_002968.3(SALL1):c.3373G>T (p.Ala1125Ser)

Gene: SALL1 (spalt like transcription factor 1; minus strand). Cytogenetic location: 16q12.1.
Variant type: single nucleotide variant.
Coding change: c.3373G>T on transcript NM_002968.3 (MANE Select); coding-DNA position 3373, G replaced by T.
Protein change: p.Ala1125Ser; replaces alanine 1125 with serine.
Molecular consequence: missense variant.
Genome position (GRCh38, 1-based): chr16:51,138,849, C>A on the plus strand (G>T on the coding strand, the complement: SALL1 is on the minus strand). VCF-style: chr16-51138849-C-A. GRCh37 (hg19) VCF-style: chr16-51172760-C-A.
Other names: c.3082G>T, p.Ala1028Ser (NM_001127892.2); short protein forms A1125S, A1028S.
Identifiers: ClinVar variation 2715566 (VCV002715566.3), dbSNP rs773784402, ClinGen allele CA8052939.